The following is an entry in ClinVar:

ClinVar aggregate classification (germline): Likely pathogenic (1 of 4 stars; one submission).

Conditions:
Autosomal recessive TTN-related disorders.

gnomAD v4.1: 9 of 1,612,744 alleles (0.00056%); highest among the groups gnomAD compares: South Asian, 0.0088%; no homozygotes.

Submission:

Variantyx, Inc.
Classification: Likely pathogenic for Autosomal recessive TTN-related disorders. Last evaluated: 2025-06-04. Review status: criteria provided, single submitter. Criteria: Variantyx Assertion Criteria 2022. Collection method: clinical testing. Allele origin: germline. Inheritance: Autosomal recessive inheritance. Affected: yes.
Comment: This is a nonsense variant in the TTN gene (OMIM: 188840). Pathogenic variants in this gene have been associated with autosomal recessive TTN-related disorders. This variant introduces a premature termination codon in exon 47 out of 362 and is expected to result in loss of function, which is a known disease mechanism for TTN in this disorder (PMID: 26084686, 23418287, 16733766, 22335739) (PVS1). It has a 0.0088% maximum allele frequency in non-founder control populations (PM2). Based on the current evidence, this variant is classified as likely pathogenic for autosomal recessive TTN-related disorders.

Literature cited by the submitters: PubMed 26084686; PubMed 23418287; PubMed 16733766; PubMed 22335739.

NM_001267550.2(TTN):c.11311+3628G>T

Gene: TTN (titin; minus strand). Cytogenetic location: 2q31.2.
Variant type: single nucleotide variant.
Coding change: c.11311+3628G>T on transcript NM_001267550.2 (MANE Select); 3628 bases into the intron after coding-DNA position 11311, G replaced by T.
Molecular consequence: intron variant. On other transcripts: nonsense (1).
Genome position (GRCh38, 1-based): chr2:178,749,496, C>A on the plus strand (G>T on the coding strand, the complement: TTN is on the minus strand). VCF-style: chr2-178749496-C-A. GRCh37 (hg19) VCF-style: chr2-179614223-C-A.
Other names: c.12904G>T, p.Glu4302Ter (NM_133379.5); c.10222+3628G>T (NM_003319.4); c.10798+3628G>T (NM_133437.4); c.10597+3628G>T (NM_133432.3); c.10360+3628G>T (NM_133378.4, NM_001256850.1); short protein forms E4302*.
Identifiers: ClinVar variation 4852179 (VCV004852179.1).
Genomic context (GRCh38, chr2:178,749,496, plus strand): 5'-CTTTCTGGTCTATTTGCTCAATAGTCTCAAGGCTTTGAAAATAGTCCCTTACTGAATATT[C>A]TTTTACATTTGTCCAGGGAGTAAAGGGACCAGCTGGATAATCATAAAAATGTGCCCTTAC-3'